The following is an entry in ClinVar:

NM_000532.5(PCCB):c.-8_12del (p.Met1fs)

Gene: PCCB (propionyl-CoA carboxylase subunit beta; plus strand). Cytogenetic location: 3q22.3.
Variant type: Deletion.
Coding change: c.-8_12del on transcript NM_000532.5 (MANE Select); 8 bases upstream of the start codon through coding-DNA position 12, 20 bases deleted (CAGCAAAAATGGCGGCGGCA).
Protein change: p.Met1fs; shifts the reading frame from methionine 1.
Molecular consequence: frameshift variant, initiator codon variant.
Genome position (GRCh38, 1-based): chr3:136,250,368-136,250,387, CAGCAAAAATGGCGGCGGCA deleted; deleting any 20 consecutive bases within chr3:136,250,363-136,250,387 gives the same sequence; the c. name uses the placement nearest the transcript's 3' end. VCF-style (leftmost placement, unchanged base first): chr3-136250362-CCGGCACAGCAAAAATGGCGG-C. GRCh37 (hg19) VCF-style: chr3-135969204-CCGGCACAGCAAAAATGGCGG-C.
Other names: c.-8_12delCAGCAAAAATGGCGGCGGCA (NM_000532.4); c.-8_12del, p.Met1fs (NM_001178014.2); short protein forms M1fs.
Identifiers: ClinVar variation 1069994 (VCV001069994.10), dbSNP rs2108127602, ClinGen allele CA2499216491.

ClinVar aggregate classification (germline): Pathogenic/Likely pathogenic. Review status: criteria provided, multiple submitters, no conflicts (2 of 4 stars). 2 submissions from 2 submitters: Pathogenic (1); Likely pathogenic (1). Last evaluated 2024-11-10.

Conditions:
Propionic acidemia (PROP). Also called: KETOTIC HYPERGLYCINEMIA; GLYCINEMIA, KETOTIC; HYPERGLYCINEMIA WITH KETOACIDOSIS AND LEUKOPENIA. Identifiers: Orphanet 35, MedGen C0268579, MONDO:0011628, OMIM 606054, HP:0003571.

Submissions (2):

Labcorp Genetics (formerly Invitae), Labcorp
Classification: Pathogenic for Propionic acidemia. Last evaluated: 2024-11-10. Review status: criteria provided, single submitter. Criteria: Invitae Variant Classification Sherloc (09022015). Collection method: clinical testing. Allele origin: germline.
Comment: This sequence change affects the initiator methionine of the PCCB mRNA. The next in-frame methionine is located at codon 84. This variant is not present in population databases (gnomAD no frequency). Disruption of the initiator codon has been observed in individual(s) with propionic acidemia (internal data). ClinVar contains an entry for this variant (Variation ID: 1069994). This variant disrupts the p.Arg44 amino acid residue in PCCB. Other variant(s) that disrupt this residue have been determined to be pathogenic (PMID: 9683601, 12007220, 12757933). This suggests that this residue is clinically significant, and that variants that disrupt this residue are likely to be disease-causing. For these reasons, this variant has been classified as Pathogenic.

Natera, Inc.
Classification: Likely pathogenic for Propionic acidemia. Last evaluated: 2024-04-16. Review status: criteria provided, single submitter. Criteria: Natera Variant Classification Schema (03/2026). Collection method: clinical testing. Allele origin: germline.
Comment: The c.-8_12delCAGCAAAAATGGCGGCGGCA variant in PCCB is predicted to result in start loss due to disruption of the initiator methionine. This variant is expected to result in nonsense mediated decay, truncation, or a dysfunctional protein product. This variant is rare in the general population with a frequency below the threshold expected for the associated phenotype(s). Given the available evidence, this variant is classified as Likely Pathogenic.

Literature cited by the submitters: PubMed 9683601 (cited by Labcorp Genetics (formerly Invitae), Labcorp); PubMed 12007220 (cited by Labcorp Genetics (formerly Invitae), Labcorp); PubMed 12757933 (cited by Labcorp Genetics (formerly Invitae), Labcorp).